The following is an entry in ClinVar:

NM_000038.6(APC):c.4252A>G (p.Ile1418Val)

Gene: APC (APC regulator of Wnt signaling pathway; plus strand). Cytogenetic location: 5q22.2.
Variant type: single nucleotide variant.
Coding change: c.4252A>G on transcript NM_000038.6 (MANE Select); coding-DNA position 4252, A replaced by G.
Protein change: p.Ile1418Val; replaces isoleucine 1418 with valine.
Molecular consequence: missense variant.
Genome position (GRCh38, 1-based): chr5:112,839,846, A>G. VCF-style: chr5-112839846-A-G. GRCh37 (hg19) VCF-style: chr5-112175543-A-G.
Other names: c.4252A>G, p.Ile1418Val (NM_001127510.3, NM_001354895.2); c.4198A>G, p.Ile1400Val (NM_001127511.3); c.4306A>G, p.Ile1436Val (NM_001354896.2); c.4282A>G, p.Ile1428Val (NM_001354897.2); c.4177A>G, p.Ile1393Val (NM_001354898.2); c.4168A>G, p.Ile1390Val (NM_001354899.2); c.4129A>G, p.Ile1377Val (NM_001354900.2); c.4075A>G, p.Ile1359Val (NM_001354901.2); and 5 more; short protein forms I1400V, I1418V, I1393V, I1428V, I1258V, I1317V, I1327V, I1377V.
Identifiers: ClinVar variation 469957 (VCV000469957.23), dbSNP rs777386397, ClinGen allele CA038496.

ClinVar aggregate classification (germline): Uncertain significance. Review status: criteria provided, multiple submitters, no conflicts (2 of 4 stars). 5 submissions from 5 submitters: Uncertain significance (5). Last evaluated 2026-06-12.

Conditions:
Classic or attenuated familial adenomatous polyposis. Identifiers: MedGen CN372698, MONDO:0021057.
Hereditary cancer-predisposing syndrome. Also called: Neoplastic Syndromes, Hereditary; Tumor predisposition; Hereditary neoplastic syndrome; Hereditary Cancer Syndrome. Identifiers: Orphanet 140162, MedGen C0027672, MeSH D009386, MONDO:0015356.
Familial adenomatous polyposis 1 (FAP1). Also called: FAMILIAL ADENOMATOUS POLYPOSIS 1, ATTENUATED; POLYPOSIS, ADENOMATOUS INTESTINAL. Identifiers: MedGen C2713442, MONDO:0021056, OMIM 175100. Disease mechanism: loss of function.

Allele frequency attached by ClinVar (database versions not stated): gnomAD exomes 0.00001; gnomAD 0.00001; TOPMed below 0.00001; ExAC 0.00001.
gnomAD v4.1: 5 of 1,614,008 alleles (0.00031%); highest among the groups gnomAD compares: Admixed American, 0.0033%; no homozygotes.

Submissions (5):

GeneDx
Classification: Uncertain significance. Last evaluated: 2026-06-12. Review status: criteria provided, single submitter. Criteria: GeneDx Variant Classification Process June 2021. Collection method: clinical testing. Allele origin: germline.
Comment: Not observed at significant frequency in large population cohorts (gnomAD); In silico analysis supports that this missense variant does not alter protein structure/function; Has not been previously published as pathogenic or benign to our knowledge; This variant is associated with the following publications: (PMID: 18199528)

Ambry Genetics
Classification: Uncertain significance for Hereditary cancer-predisposing syndrome. Last evaluated: 2025-12-15. Review status: criteria provided, single submitter. Criteria: Ambry Variant Classification Scheme 2023. Collection method: clinical testing. Allele origin: germline.
Comment: The p.I1418V variant (also known as c.4252A>G), located in coding exon 15 of the APC gene, results from an A to G substitution at nucleotide position 4252. The isoleucine at codon 1418 is replaced by valine, an amino acid with highly similar properties. This amino acid position is well conserved in available vertebrate species. In addition, in silico predictors for this gene do not accurately predict pathogenicity. Since supporting evidence is limited at this time, the clinical significance of this alteration remains unclear.

Labcorp Genetics (formerly Invitae), Labcorp
Classification: Uncertain significance for Familial adenomatous polyposis 1. Last evaluated: 2023-12-15. Review status: criteria provided, single submitter. Criteria: Invitae Variant Classification Sherloc (09022015). Collection method: clinical testing. Allele origin: germline.
Comment: This sequence change replaces isoleucine, which is neutral and non-polar, with valine, which is neutral and non-polar, at codon 1418 of the APC protein (p.Ile1418Val). This variant is present in population databases (rs777386397, gnomAD 0.006%). This variant has not been reported in the literature in individuals affected with APC-related conditions. ClinVar contains an entry for this variant (Variation ID: 469957). Advanced modeling of protein sequence and biophysical properties (such as structural, functional, and spatial information, amino acid conservation, physicochemical variation, residue mobility, and thermodynamic stability) performed at Invitae indicates that this missense variant is not expected to disrupt APC protein function with a negative predictive value of 95%. In summary, the available evidence is currently insufficient to determine the role of this variant in disease. Therefore, it has been classified as a Variant of Uncertain Significance.

All of Us Research Program, National Institutes of Health
Classification: Uncertain significance for Classic or attenuated familial adenomatous polyposis. Last evaluated: 2022-12-16. Review status: criteria provided, single submitter. Criteria: ACMG Guidelines, 2015. Collection method: clinical testing. Allele origin: germline. Inheritance: Autosomal dominant inheritance. Observed: 1 variant allele, 1 heterozygote.
Comment: This missense variant replaces isoleucine with valine at codon 1418 of the APC protein. Computational prediction suggests that this variant may not impact protein structure and function (internally defined REVEL score threshold <= 0.5, PMID: 27666373). To our knowledge, functional studies have not been reported for this variant. This variant has not been reported in individuals affected with hereditary cancer in the literature. This variant has been identified in 4/282350 chromosomes in the general population by the Genome Aggregation Database (gnomAD). The available evidence is insufficient to determine the role of this variant in disease conclusively. Therefore, this variant is classified as a Variant of Uncertain Significance.

This study involves interpretation of variants in research participants for the purpose of population health screening. Participant phenotype was not available at the time of variant classification. Additional details can be found in publication PMID: 35346344, PMCID: PMC8962531

Color Diagnostics, LLC DBA Color Health
Classification: Uncertain significance for Hereditary cancer-predisposing syndrome. Last evaluated: 2021-01-10. Review status: criteria provided, single submitter. Criteria: ACMG Guidelines, 2015. Collection method: clinical testing. Allele origin: germline.
Comment: This missense variant replaces isoleucine with valine at codon 1418 of the APC protein. Computational prediction suggests that this variant may not impact protein structure and function (internally defined REVEL score threshold <= 0.5, PMID: 27666373). To our knowledge, functional studies have not been reported for this variant. This variant has not been reported in individuals affected with hereditary cancer in the literature. This variant has been identified in 4/282350 chromosomes in the general population by the Genome Aggregation Database (gnomAD). The available evidence is insufficient to determine the role of this variant in disease conclusively. Therefore, this variant is classified as a Variant of Uncertain Significance.